The following is an entry in ClinVar:

ClinVar aggregate classification (germline): Uncertain significance (1 of 4 stars; one submission).

Conditions:
Hereditary cancer-predisposing syndrome. Also called: Neoplastic Syndromes, Hereditary; Tumor predisposition; Hereditary Cancer Syndrome; Hereditary neoplastic syndrome. Identifiers: Orphanet 140162, MedGen C0027672, MeSH D009386, MONDO:0015356.

Submission:

Ambry Genetics
Classification: Uncertain significance for Hereditary cancer-predisposing syndrome. Last evaluated: 2021-06-15. Review status: criteria provided, single submitter. Criteria: Ambry Variant Classification Scheme 2023. Collection method: clinical testing. Allele origin: germline.
Comment: The p.A225S variant (also known as c.673G>T), located in coding exon 8 of the RAD51D gene, results from a G to T substitution at nucleotide position 673. The alanine at codon 225 is replaced by serine, an amino acid with similar properties. This amino acid position is highly conserved in available vertebrate species. In addition, this alteration is predicted to be tolerated by in silico analysis. Since supporting evidence is limited at this time, the clinical significance of this alteration remains unclear.

NM_002878.4(RAD51D):c.673G>T (p.Ala225Ser)

Genes: RAD51L3-RFFL (RAD51L3-RFFL readthrough; minus strand), RAD51D (RAD51 paralog D; minus strand). Cytogenetic location: 17q12.
Variant type: single nucleotide variant.
Coding change: c.673G>T on transcript NM_002878.4 (MANE Select); coding-DNA position 673, G replaced by T.
Protein change: p.Ala225Ser; replaces alanine 225 with serine.
Molecular consequence: missense variant. On other transcripts: non-coding transcript variant (3).
Genome position (GRCh38, 1-based): chr17:35,103,319, C>A on the plus strand (G>T on the coding strand, the complement: RAD51D is on the minus strand). VCF-style: chr17-35103319-C-A. GRCh37 (hg19) VCF-style: chr17-33430338-C-A.
Other names: c.733G>T, p.Ala245Ser (NM_001142571.2); c.337G>T, p.Ala113Ser (NM_133629.3); short protein forms A225S, A245S, A113S.
Identifiers: ClinVar variation 1755188 (VCV001755188.2), dbSNP rs28363282, ClinGen allele CA399087802.